The following is an entry in ClinVar:

NM_001098626.2(ZNF98):c.1569C>T (p.Cys523=)

Gene: ZNF98 (zinc finger protein 98; minus strand). Cytogenetic location: 19p12.
Variant type: single nucleotide variant.
Coding change: c.1569C>T on transcript NM_001098626.2 (MANE Select); coding-DNA position 1569, C replaced by T.
Protein change: p.Cys523=; no amino-acid change (cysteine 523 retained).
Molecular consequence: synonymous variant.
Genome position (GRCh38, 1-based): chr19:22,391,666, G>A on the plus strand (C>T on the coding strand, the complement: ZNF98 is on the minus strand). VCF-style: chr19-22391666-G-A. GRCh37 (hg19) VCF-style: chr19-22574468-G-A.
Other names: c.1569C>T (NM_001098626.1).
Identifiers: ClinVar variation 3777780 (VCV003777780.7).

ClinVar aggregate classification (germline): Likely benign. Review status: criteria provided, multiple submitters, no conflicts (2 of 4 stars). 2 submissions from 2 submitters: Likely benign (2). Last evaluated 2025-11-03.

Submissions (2):

Ambry Genetics
Classification: Likely benign. Last evaluated: 2025-11-03. Review status: criteria provided, single submitter. Criteria: Ambry Variant Classification Scheme 2023. Collection method: clinical testing. Allele origin: germline.

CeGaT Center for Human Genetics Tuebingen
Classification: Likely benign. Last evaluated: 2025-03-01. Review status: criteria provided, single submitter. Criteria: CeGaT Center For Human Genetics Tuebingen Variant Classification Criteria Version 2. Collection method: clinical testing. Allele origin: germline. Affected: yes. Observed: 1 variant allele.
Comment: ZNF98: BP4, BP7